The following is an entry in ClinVar:

ClinVar aggregate classification (germline): Conflicting classifications of pathogenicity. Review status: criteria provided, conflicting classifications (1 of 4 stars). 4 submissions from 4 submitters: Uncertain significance (1); Likely benign (3). Last evaluated 2025-11-10.

Conditions:
Marfan syndrome (MFS). Also called: FBN1-Related Marfan Syndrome; Marfan syndrome, classic; MARFAN SYNDROME, TYPE I; Marfan syndrome type 1; Marfan's syndrome. Identifiers: Orphanet 284963, Orphanet 558, MedGen C0024796, MONDO:0007947, OMIM 154700.
Familial thoracic aortic aneurysm and aortic dissection (TAAD). Also called: Thoracic aortic aneurysms and dissections. Identifiers: Orphanet 91387, MedGen C4707243, MONDO:0019625.

Allele frequency attached by ClinVar (database versions not stated): gnomAD 0.00001; gnomAD exomes 0.00006 and 0.00002; TOPMed 0.00003; ExAC 0.00004.

Submissions (4):

Labcorp Genetics (formerly Invitae), Labcorp
Classification: Likely benign for Marfan syndrome; Familial thoracic aortic aneurysm and aortic dissection. Last evaluated: 2025-11-10. Review status: criteria provided, single submitter. Criteria: Invitae Variant Classification Sherloc (09022015). Collection method: clinical testing. Allele origin: germline.

All of Us Research Program, National Institutes of Health
Classification: Likely benign for Marfan syndrome. Last evaluated: 2023-08-15. Review status: criteria provided, single submitter. Criteria: ACMG Guidelines, 2015. Collection method: clinical testing. Allele origin: germline. Inheritance: Autosomal dominant inheritance. Observed: 9 variant alleles, 9 heterozygotes.
Comment: This study involves interpretation of variants in research participants for the purpose of population health screening. Participant phenotype was not available at the time of variant classification. Additional details can be found in publication PMID: 35346344, PMCID: PMC8962531

Color Diagnostics, LLC DBA Color Health
Classification: Likely benign for Familial thoracic aortic aneurysm and aortic dissection. Last evaluated: 2018-11-16. Review status: criteria provided, single submitter. Criteria: ACMG Guidelines, 2015. Collection method: clinical testing. Allele origin: germline.

Laboratory for Molecular Medicine, Mass General Brigham Personalized Medicine
Classification: Uncertain significance. Last evaluated: 2012-01-30. Review status: criteria provided, single submitter. Criteria: LMM Criteria. Collection method: clinical testing. Allele origin: germline. Observed: 1 variant allele.
Comment: Variant classified as Uncertain Significance - Favor Benign. The 165-7G>A varian t has not been reported in the literature nor previously identified by our labor atory. This variant is located in the 3' splice region and computational tools do not predict altered splicing. However, this information is not predictive eno ugh to rule out pathogenicity. Therefore, the clinical significance of this var iant cannot be determined at this time, although we would lean towards a more be nign role.

NM_000138.5(FBN1):c.165-7G>A

Gene: FBN1 (fibrillin 1; minus strand). Cytogenetic location: 15q21.1.
Variant type: single nucleotide variant.
Coding change: c.165-7G>A on transcript NM_000138.5 (MANE Select); 7 bases into the intron before coding-DNA position 165, G replaced by A.
Molecular consequence: intron variant.
Genome position (GRCh38, 1-based): chr15:48,613,099, C>T on the plus strand (G>A on the coding strand, the complement: FBN1 is on the minus strand). VCF-style: chr15-48613099-C-T. GRCh37 (hg19) VCF-style: chr15-48905296-C-T.
Identifiers: ClinVar variation 42290 (VCV000042290.15), dbSNP rs397515761, ClinGen allele CA012423.